The following is an entry in ClinVar:

NM_000558.5(HBA1):c.96-23_117del

Genes: HBA1 (hemoglobin subunit alpha 1; plus strand), LOC106804613 (hemoglobin subunit alpha 1 recombination region; plus strand). Cytogenetic location: 16p13.3.
Variant type: Deletion.
Coding change: c.96-23_117del on transcript NM_000558.5 (MANE Select); 23 bases into the intron before coding-DNA position 96 through coding-DNA position 117, 45 bases deleted.
Molecular consequence: splice acceptor variant.
Genome position (GRCh38, 1-based): chr16:176,906-176,950, 45 bases deleted; deleting any 45 consecutive bases within chr16:176,899-176,950 gives the same sequence; the c. name uses the placement nearest the transcript's 3' end. GRCh37 (hg19): chr16:226,905-226,949.
Identifiers: ClinVar variation 4814425 (VCV004814425.1).

ClinVar aggregate classification (germline): Pathogenic (1 of 4 stars; one submission).

Conditions:
alpha Thalassemia. Also called: Alpha thalassemia spectrum. Identifiers: Orphanet 846, MedGen C0002312, MONDO:0011399, OMIM 604131.

Submission:

Natera, Inc.
Classification: Pathogenic for Alpha thalassemia. Last evaluated: 2025-12-28. Review status: criteria provided, single submitter. Criteria: Natera Variant Classification Schema (03/2026). Collection method: clinical testing. Allele origin: germline.
Comment: The c.96-23_117del variant in HBA1 is a deletion variant affecting a canonical splice acceptor site. This variant is expected to result in nonsense mediated decay, truncation, or a dysfunctional protein product. This variant is rare in the general population with a frequency below the threshold expected for the associated phenotype(s). Another variant at this same site results in an alteration predicted to cause a similar molecular effect has been observed in individual(s) with the associated phenotype. Given the available evidence, this variant is classified as Pathogenic.